The following is an entry in ClinVar:

NM_001323289.2(CDKL5):c.887C>A (p.Thr296Lys)

Gene: CDKL5 (cyclin dependent kinase like 5; plus strand). Cytogenetic location: Xp22.13.
Variant type: single nucleotide variant.
Coding change: c.887C>A on transcript NM_001323289.2 (MANE Select); coding-DNA position 887, C replaced by A.
Protein change: p.Thr296Lys; replaces threonine 296 with lysine.
Molecular consequence: missense variant.
Genome position (GRCh38, 1-based): chrX:18,598,523, C>A. VCF-style: chrX-18598523-C-A. GRCh37 (hg19) VCF-style: chrX-18616643-C-A.
Other names: c.887C>A, p.Thr296Lys (NM_001037343.2, NM_003159.3); short protein forms T296K.
Identifiers: ClinVar variation 1719175 (VCV001719175.6), dbSNP rs1191614785, ClinGen allele CA412356016.
Genomic context (GRCh38, chrX:18,598,523, plus strand): 5'-ATTTACTGAAGTTGGACCCAGCTGACAGATACTTGACAGAACAGTGTTTGAATCACCCTA[C>A]ATTTCAAACCCAGAGACTTCTGGATCGTTCTCCTTCAAGGTCAGCAAAAAGAAAACCTTA-3'
Protein context (NP_001310218.1, residues 286-306): YLTEQCLNHP[Thr296Lys]FQTQRLLDRS

ClinVar aggregate classification (germline): Uncertain significance (1 of 4 stars; one submission).

Conditions:
Angelman syndrome-like. Identifiers: MedGen CN128785.
Developmental and epileptic encephalopathy, 2 (DEE2). Also called: CDKL5 deficiency disorder; INFANTILE SPASM SYNDROME, X-LINKED 2. Identifiers: Orphanet 1934, Orphanet 3451, Orphanet 505652, MedGen C4750718, MONDO:0010396, OMIM 300672.

Submission:

Labcorp Genetics (formerly Invitae), Labcorp
Classification: Uncertain significance for Developmental and epileptic encephalopathy, 2; Angelman syndrome-like. Last evaluated: 2022-11-01. Review status: criteria provided, single submitter. Criteria: Invitae Variant Classification Sherloc (09022015). Collection method: clinical testing. Allele origin: germline.
Comment: In summary, the available evidence is currently insufficient to determine the role of this variant in disease. Therefore, it has been classified as a Variant of Uncertain Significance. Advanced modeling of protein sequence and biophysical properties (such as structural, functional, and spatial information, amino acid conservation, physicochemical variation, residue mobility, and thermodynamic stability) performed at Invitae indicates that this missense variant is not expected to disrupt CDKL5 protein function. This variant has not been reported in the literature in individuals affected with CDKL5-related conditions. This variant is not present in population databases (gnomAD no frequency). This sequence change replaces threonine, which is neutral and polar, with lysine, which is basic and polar, at codon 296 of the CDKL5 protein (p.Thr296Lys).